The following is an entry in ClinVar:

NM_003793.4(CTSF):c.268A>C (p.Asn90His)

Gene: CTSF (cathepsin F; minus strand). Cytogenetic location: 11q13.2.
Variant type: single nucleotide variant.
Coding change: c.268A>C on transcript NM_003793.4 (MANE Select); coding-DNA position 268, A replaced by C.
Protein change: p.Asn90His; replaces asparagine 90 with histidine.
Molecular consequence: missense variant.
Genome position (GRCh38, 1-based): chr11:66,568,028, T>G on the plus strand (A>C on the coding strand, the complement: CTSF is on the minus strand). VCF-style: chr11-66568028-T-G. GRCh37 (hg19) VCF-style: chr11-66335499-T-G.
Other names: short protein forms N90H.
Identifiers: ClinVar variation 589013 (VCV000589013.5), dbSNP rs1040476371, ClinGen allele CA224083088.

ClinVar aggregate classification (germline): Uncertain significance (1 of 4 stars; one submission).

Conditions:
Inborn genetic diseases. Identifiers: MedGen C0950123, MeSH D030342.

Allele frequency attached by ClinVar (database versions not stated): gnomAD 0.00001; gnomAD exomes 0.00001; TOPMed 0.00002.
gnomAD v4.1: 12 of 1,603,270 alleles (0.00075%); highest among the groups gnomAD compares: African/African-American, 0.0027%; no homozygotes.

Submission:

Ambry Genetics
Classification: Uncertain significance for Inborn genetic diseases. Last evaluated: 2017-05-03. Review status: criteria provided, single submitter. Criteria: Ambry Variant Classification Scheme 2023. Collection method: clinical testing. Allele origin: germline.
Comment: The p.N90H variant (also known as c.268A>C), located in coding exon 2 of the CTSF gene, results from an A to C substitution at nucleotide position 268. The asparagine at codon 90 is replaced by histidine, an amino acid with similar properties. This amino acid position is not well conserved in available vertebrate species. In addition, this alteration is predicted to be tolerated by in silico analysis. Since supporting evidence is limited at this time, the clinical significance of this alteration remains unclear.